The following is an entry in ClinVar:

ClinVar aggregate classification (germline): Conflicting classifications of pathogenicity. Review status: criteria provided, conflicting classifications (1 of 4 stars). 5 submissions from 5 submitters: Uncertain significance (2); Benign (1); Likely benign (2). Last evaluated 2026-02-11.

Conditions:
Tuberous sclerosis 2 (TSC2). Identifiers: Orphanet 805, MedGen C1860707, MONDO:0013199, OMIM 613254.
Hereditary cancer-predisposing syndrome. Also called: Neoplastic Syndromes, Hereditary; Hereditary Cancer Syndrome; Tumor predisposition; Hereditary neoplastic syndrome. Identifiers: Orphanet 140162, MedGen C0027672, MeSH D009386, MONDO:0015356.

Allele frequency attached by ClinVar (database versions not stated): gnomAD exomes below 0.00001.
gnomAD v4.1: 3 of 1,612,940 alleles (0.00019%); highest among the groups gnomAD compares: Non-Finnish European, 0.00025%; no homozygotes.

Submissions (5):

St. Jude Molecular Pathology, St. Jude Children's Research Hospital
Classification: Uncertain significance for Tuberous sclerosis 2. Last evaluated: 2026-02-11. Review status: criteria provided, single submitter. Criteria: St. Jude Assertion Criteria 2020. Collection method: clinical testing. Allele origin: germline.
Comment: The TSC2 c.3425T>C p.(Leu1142Pro) missense change is absent in gnomAD v2.1.1. The in silico tool REVEL is inconclusive about a pathogenic or benign effect of this variant on protein function, and to our knowledge functional studies have not been performed. To our knowledge, this variant has not been reported in individuals with tuberous sclerosis complex. In summary, the evidence currently available is insufficient to determine the clinical significance of this variant. It has therefore been classified as of uncertain significance.

Ambry Genetics
Classification: Uncertain significance for Hereditary cancer-predisposing syndrome. Last evaluated: 2025-11-12. Review status: criteria provided, single submitter. Criteria: Ambry Variant Classification Scheme 2023. Collection method: clinical testing. Allele origin: germline.
Comment: The p.L1142P variant (also known as c.3425T>C), located in coding exon 29 of the TSC2 gene, results from a T to C substitution at nucleotide position 3425. The leucine at codon 1142 is replaced by proline, an amino acid with similar properties. This amino acid position is well conserved in available vertebrate species. In addition, this alteration is predicted to be deleterious by in silico analysis. Based on the available evidence, the clinical significance of this variant remains unclear.

Labcorp Genetics (formerly Invitae), Labcorp
Classification: Benign for Tuberous sclerosis 2. Last evaluated: 2025-07-07. Review status: criteria provided, single submitter. Criteria: Invitae Variant Classification Sherloc (09022015). Collection method: clinical testing. Allele origin: germline.

Genome-Nilou Lab
Classification: Likely benign for Tuberous sclerosis 2. Last evaluated: 2021-11-07. Review status: criteria provided, single submitter. Criteria: ACMG Guidelines, 2015. Collection method: clinical testing. Allele origin: germline. Affected: no.

GeneDx
Classification: Likely benign. Last evaluated: 2014-10-01. Review status: criteria provided, single submitter. Criteria: GeneDx Variant Classification (06012015). Collection method: clinical testing. Allele origin: germline. Affected: yes.
Comment: This variant is considered likely benign or benign based on one or more of the following criteria: it is a conservative change, it occurs at a poorly conserved position in the protein, it is predicted to be benign by multiple in silico algorithms, and/or has population frequency not consistent with disease.

NM_000548.5(TSC2):c.3425T>C (p.Leu1142Pro)

Gene: TSC2 (TSC complex subunit 2; plus strand). Cytogenetic location: 16p13.3.
Variant type: single nucleotide variant.
Coding change: c.3425T>C on transcript NM_000548.5 (MANE Select); coding-DNA position 3425, T replaced by C.
Protein change: p.Leu1142Pro; replaces leucine 1142 with proline.
Molecular consequence: missense variant.
Genome position (GRCh38, 1-based): chr16:2,080,192, T>C. VCF-style: chr16-2080192-T-C. GRCh37 (hg19) VCF-style: chr16-2130193-T-C.
Other names: p.L1142P:CTG>CCG; c.3293T>C, p.Leu1098Pro (NM_001077183.3, NM_001370404.1); c.3425T>C, p.Leu1142Pro (NM_001114382.3); c.3185T>C, p.Leu1062Pro (NM_001318827.2); c.3149T>C, p.Leu1050Pro (NM_001318829.2); c.2693T>C, p.Leu898Pro (NM_001318831.2); c.3326T>C, p.Leu1109Pro (NM_001318832.2); c.3296T>C, p.Leu1099Pro (NM_001363528.2, NM_001370405.1, NM_021055.3); short protein forms L1142P, L1050P, L1062P, L1098P, L1099P, L1109P, L898P.
Identifiers: ClinVar variation 207784 (VCV000207784.17), dbSNP rs796053513, ClinGen allele CA319595.